The following is an entry in ClinVar:

ClinVar aggregate classification (germline): Uncertain significance (1 of 4 stars; one submission).

Conditions:
Multiple congenital anomalies-hypotonia-seizures syndrome 1 (MCAHS1). Also called: PIGN-CDG; Congenital disorder of glycosylation due to PIGN deficiency; GLYCOSYLPHOSPHATIDYLINOSITOL BIOSYNTHESIS DEFECT 3. Identifiers: Orphanet 280633, MedGen C3279775, MONDO:0013563, OMIM 614080.

gnomAD v4.1: 13 of 1,497,590 alleles (0.00087%); highest among the groups gnomAD compares: Non-Finnish European, 0.0012%; no homozygotes.

Submission:

Labcorp Genetics (formerly Invitae), Labcorp
Classification: Uncertain significance for Multiple congenital anomalies-hypotonia-seizures syndrome 1. Last evaluated: 2022-07-29. Review status: criteria provided, single submitter. Criteria: Invitae Variant Classification Sherloc (09022015). Collection method: clinical testing. Allele origin: germline.
Comment: In summary, the available evidence is currently insufficient to determine the role of this variant in disease. Therefore, it has been classified as a Variant of Uncertain Significance. Variants that disrupt the consensus splice site are a relatively common cause of aberrant splicing (PMID: 17576681, 9536098). Algorithms developed to predict the effect of sequence changes on RNA splicing suggest that this variant may disrupt the consensus splice site. This variant has not been reported in the literature in individuals affected with PIGN-related conditions. This variant is not present in population databases (gnomAD no frequency). This sequence change falls in intron 28 of the PIGN gene. It does not directly change the encoded amino acid sequence of the PIGN protein. It affects a nucleotide within the consensus splice site.

Literature cited by the submitters: PubMed 17576681; PubMed 9536098.

NM_176787.5(PIGN):c.2576+3A>C

Gene: PIGN (phosphatidylinositol glycan anchor biosynthesis class N; minus strand). Cytogenetic location: 18q21.33.
Variant type: single nucleotide variant.
Coding change: c.2576+3A>C on transcript NM_176787.5 (MANE Select); 3 bases into the intron after coding-DNA position 2576, A replaced by C.
Molecular consequence: intron variant.
Genome position (GRCh38, 1-based): chr18:62,082,670, T>G on the plus strand (A>C on the coding strand, the complement: PIGN is on the minus strand). VCF-style: chr18-62082670-T-G. GRCh37 (hg19) VCF-style: chr18-59749903-T-G.
Other names: c.2576+3A>C (NM_012327.6).
Identifiers: ClinVar variation 2020137 (VCV002020137.4), dbSNP rs2512379976, ClinGen allele CA2580095981.